The following is an entry in ClinVar:

ClinVar aggregate classification (germline): Uncertain significance (1 of 4 stars; one submission).

Submission:

GeneDx
Classification: Uncertain significance. Last evaluated: 2024-02-07. Review status: criteria provided, single submitter. Criteria: GeneDx Variant Classification Process June 2021. Collection method: clinical testing. Allele origin: germline. Affected: yes.
Comment: Not observed at significant frequency in large population cohorts (gnomAD); In silico analysis supports that this missense variant does not alter protein structure/function; Has not been previously published as pathogenic or benign to our knowledge; This variant is associated with the following publications: (PMID: 24311597)

NM_016169.4(SUFU):c.893G>T (p.Arg298Leu)

Gene: SUFU (SUFU negative regulator of hedgehog signaling; plus strand). Cytogenetic location: 10q24.32.
Variant type: single nucleotide variant.
Coding change: c.893G>T on transcript NM_016169.4 (MANE Select); coding-DNA position 893, G replaced by T.
Protein change: p.Arg298Leu; replaces arginine 298 with leucine.
Molecular consequence: missense variant.
Genome position (GRCh38, 1-based): chr10:102,597,276, G>T. VCF-style: chr10-102597276-G-T. GRCh37 (hg19) VCF-style: chr10-104357033-G-T.
Other names: c.893G>T, p.Arg298Leu (NM_001178133.2); short protein forms R298L.
Identifiers: ClinVar variation 3368785 (VCV003368785.1).